The following is an entry in ClinVar:

NM_000540.3(RYR1):c.10314G>A (p.Val3438=)

Gene: RYR1 (ryanodine receptor 1; plus strand). Cytogenetic location: 19q13.2.
Variant type: single nucleotide variant.
Coding change: c.10314G>A on transcript NM_000540.3 (MANE Select); coding-DNA position 10314, G replaced by A.
Protein change: p.Val3438=; no amino-acid change (valine 3438 retained).
Molecular consequence: synonymous variant.
Genome position (GRCh38, 1-based): chr19:38,523,082, G>A. VCF-style: chr19-38523082-G-A. GRCh37 (hg19) VCF-style: chr19-39013722-G-A.
Other names: c.10314G>A, p.Val3438= (NM_001042723.2).
Identifiers: ClinVar variation 3072429 (VCV003072429.1), dbSNP rs2514462616, ClinGen allele CA507247561.

ClinVar aggregate classification (germline): Uncertain significance (1 of 4 stars; one submission).

Conditions:
Malignant hyperthermia, susceptibility to, 1 (MHS1). Also called: Anesthesia related hyperthermia; Malignant hyperpyrexia; Fulminating hyperpyrexia; Pharmacogenic myopathy; RYR1-Related Malignant Hyperthermia Susceptibility; Malignant hyperthermia suceptibility 1. Identifiers: Orphanet 423, MedGen C2930980, MONDO:0007783, OMIM 145600.

Submission:

All of Us Research Program, National Institutes of Health
Classification: Uncertain significance for Malignant hyperthermia, susceptibility to, 1. Last evaluated: 2023-07-10. Review status: criteria provided, single submitter. Criteria: ACMG Guidelines, 2015. Collection method: clinical testing. Allele origin: germline. Inheritance: Autosomal dominant inheritance. Observed: 1 variant allele, 1 heterozygote.
Comment: This variant is located in the RYR1 protein. To our knowledge, functional studies have not been reported for this variant. This variant has not been reported in individuals affected with RYR1-related disorders in the literature. This variant has not been identified in the general population by the Genome Aggregation Database (gnomAD). The available evidence is insufficient to determine the role of this variant in disease conclusively. Therefore, this variant is classified as a Variant of Uncertain Significance.

This study involves interpretation of variants in research participants for the purpose of population health screening. Participant phenotype was not available at the time of variant classification. Additional details can be found in publication PMID: 35346344, PMCID: PMC8962531